The following is an entry in ClinVar:

ClinVar aggregate classification (germline): Uncertain significance. Review status: criteria provided, multiple submitters, no conflicts (2 of 4 stars). 3 submissions from 3 submitters: Uncertain significance (3). Last evaluated 2023-07-07.

Conditions:
Hypertrophic cardiomyopathy 15. Identifiers: MedGen C2750459, MONDO:0013200, OMIM 613255.
Dilated cardiomyopathy 1W (CMD1W). Identifiers: Orphanet 154, MedGen C1969639, MONDO:0012667, OMIM 611407.

Allele frequency attached by ClinVar (database versions not stated): gnomAD 0.00001; ExAC 0.00002; gnomAD exomes 0.00002; TOPMed 0.00002.
gnomAD v4.1: 27 of 1,614,046 alleles (0.0017%); highest among the groups gnomAD compares: South Asian, 0.0033%; no homozygotes.

Submissions (3):

Labcorp Genetics (formerly Invitae), Labcorp
Classification: Uncertain significance for Dilated cardiomyopathy 1W. Last evaluated: 2023-07-07. Review status: criteria provided, single submitter. Criteria: Invitae Variant Classification Sherloc (09022015). Collection method: clinical testing. Allele origin: germline.
Comment: ClinVar contains an entry for this variant (Variation ID: 424219). In summary, the available evidence is currently insufficient to determine the role of this variant in disease. Therefore, it has been classified as a Variant of Uncertain Significance. An algorithm developed to predict the effect of missense changes on protein structure and function (PolyPhen-2) suggests that this variant is likely to be disruptive. This variant has not been reported in the literature in individuals affected with VCL-related conditions. This variant is present in population databases (rs764302249, gnomAD 0.006%). This sequence change replaces proline, which is neutral and non-polar, with leucine, which is neutral and non-polar, at codon 843 of the VCL protein (p.Pro843Leu).

Fulgent Genetics
Classification: Uncertain significance for Dilated cardiomyopathy 1W; Hypertrophic cardiomyopathy 15. Last evaluated: 2021-09-01. Review status: criteria provided, single submitter. Criteria: ACMG Guidelines, 2015. Collection method: clinical testing. Allele origin: unknown.

GeneDx
Classification: Uncertain significance. Last evaluated: 2017-03-15. Review status: criteria provided, single submitter. Criteria: GeneDx Variant Classification (06012015). Collection method: clinical testing. Allele origin: germline. Affected: yes.
Comment: The P843L variant has not been published aspathogenic or been reported as benign to our knowledge. It is not observed at a significant frequency in largepopulation cohorts (Lek et al., 2016; 1000 Genomes Consortium et al., 2015; Exome Variant Server). The P843Lvariant is a semi-conservative amino acid substitution, which may impact secondary protein structure as theseresidues differ in some properties. Moreover, this substitution occurs at a position that is conserved across species,and two of three in silico models predict this variant is probably damaging to the protein structure/function.Nonetheless, this variant lacks observation in a significant number of affected individuals, segregation data, andfunctional evidence, all of which would further clarify pathogenicity.

NM_014000.3(VCL):c.2528C>T (p.Pro843Leu)

Gene: VCL (vinculin; plus strand). Cytogenetic location: 10q22.2.
Variant type: single nucleotide variant.
Coding change: c.2528C>T on transcript NM_014000.3 (MANE Select); coding-DNA position 2528, C replaced by T.
Protein change: p.Pro843Leu; replaces proline 843 with leucine.
Molecular consequence: missense variant.
Genome position (GRCh38, 1-based): chr10:74,107,323, C>T. VCF-style: chr10-74107323-C-T. GRCh37 (hg19) VCF-style: chr10-75867081-C-T.
Other names: c.2528C>T, p.Pro843Leu (NM_003373.4); short protein forms P843L.
Identifiers: ClinVar variation 424219 (VCV000424219.10), dbSNP rs764302249, ClinGen allele CA5563239.